The following is an entry in ClinVar:

NM_032043.3(BRIP1):c.380-4T>C

Gene: BRIP1 (BRCA1 interacting DNA helicase 1; minus strand). Cytogenetic location: 17q23.2.
Variant type: single nucleotide variant.
Coding change: c.380-4T>C on transcript NM_032043.3 (MANE Select); 4 bases into the intron before coding-DNA position 380, T replaced by C.
Molecular consequence: intron variant.
Genome position (GRCh38, 1-based): chr17:61,849,260, A>G on the plus strand (T>C on the coding strand, the complement: BRIP1 is on the minus strand). VCF-style: chr17-61849260-A-G. GRCh37 (hg19) VCF-style: chr17-59926621-A-G.
Identifiers: ClinVar variation 1118289 (VCV001118289.11), dbSNP rs1416727235, ClinGen allele CA626817919.

ClinVar aggregate classification (germline): Likely benign. Review status: criteria provided, multiple submitters, no conflicts (2 of 4 stars). 2 submissions from 2 submitters: Likely benign (2). Last evaluated 2024-11-15.

Conditions:
Familial cancer of breast. Also called: BREAST CANCER, FAMILIAL; Hereditary breast cancer; hereditary breast carcinoma. Identifiers: Orphanet 227535, MedGen C0346153, MONDO:0016419, OMIM 114480. Disease mechanism: loss of function.
Fanconi anemia complementation group J. Also called: BRIP1-Related Fanconi Anemia. Identifiers: Orphanet 84, MedGen C1836860, MONDO:0012187, OMIM 609054.

Allele frequency attached by ClinVar (database versions not stated): gnomAD exomes below 0.00001.
gnomAD v4.1: 2 of 1,607,862 alleles (0.00012%); highest among the groups gnomAD compares: South Asian, 0.0022%; no homozygotes.

Submissions (2):

Labcorp Genetics (formerly Invitae), Labcorp
Classification: Likely benign for Familial cancer of breast; Fanconi anemia complementation group J. Last evaluated: 2024-11-15. Review status: criteria provided, single submitter. Criteria: Invitae Variant Classification Sherloc (09022015). Collection method: clinical testing. Allele origin: germline.

Myriad Genetics, Inc.
Classification: Likely benign for Familial cancer of breast. Last evaluated: 2024-08-21. Review status: criteria provided, single submitter. Criteria: Myriad Autosomal Dominant, Autosomal Recessive and X-Linked Classification Criteria (2023). Collection method: clinical testing. Allele origin: unknown.
Comment: This variant is considered likely benign. This variant is intronic and is not expected to impact mRNA splicing.